The following is an entry in ClinVar:

ClinVar aggregate classification (germline): Uncertain significance (1 of 4 stars; one submission).

Conditions:
Hereditary breast ovarian cancer syndrome. Also called: Hereditary breast and ovarian cancer syndrome; Hereditary breast and ovarian cancer syndrome (HBOC); BRCA1- and BRCA2-Associated Hereditary Breast and Ovarian Cancer; Hereditary breast and ovarian cancer; Breast and ovarian cancer; Hereditary breast and/or ovarian cancer syndrome. Identifiers: Orphanet 145, MedGen C0677776, MeSH D061325, MONDO:0003582. Disease mechanism: loss of function.

Submission:

Labcorp Genetics (formerly Invitae), Labcorp
Classification: Uncertain significance for Hereditary breast ovarian cancer syndrome. Last evaluated: 2024-02-06. Review status: criteria provided, single submitter. Criteria: Invitae Variant Classification Sherloc (09022015). Collection method: clinical testing. Allele origin: germline.
Comment: This sequence change replaces aspartic acid, which is acidic and polar, with valine, which is neutral and non-polar, at codon 306 of the BRCA2 protein (p.Asp306Val). This variant is not present in population databases (gnomAD no frequency). This variant has not been reported in the literature in individuals affected with BRCA2-related conditions. Advanced modeling of protein sequence and biophysical properties (such as structural, functional, and spatial information, amino acid conservation, physicochemical variation, residue mobility, and thermodynamic stability) performed at Invitae indicates that this missense variant is not expected to disrupt BRCA2 protein function with a negative predictive value of 95%. Algorithms developed to predict the effect of sequence changes on RNA splicing suggest that this variant may create or strengthen a splice site. In summary, the available evidence is currently insufficient to determine the role of this variant in disease. Therefore, it has been classified as a Variant of Uncertain Significance.

NM_000059.4(BRCA2):c.917A>T (p.Asp306Val)

Gene: BRCA2 (BRCA2 DNA repair associated; plus strand). Cytogenetic location: 13q13.1.
Variant type: single nucleotide variant.
Coding change: c.917A>T on transcript NM_000059.4 (MANE Select); coding-DNA position 917, A replaced by T.
Protein change: p.Asp306Val; replaces aspartic acid 306 with valine.
Molecular consequence: missense variant. On other transcripts: non-coding transcript variant (1), intron variant (1).
Genome position (GRCh38, 1-based): chr13:32,332,395, A>T. VCF-style: chr13-32332395-A-T. GRCh37 (hg19) VCF-style: chr13-32906532-A-T.
Other names: c.917A>T, p.Asp306Val (NM_001406719.1, NM_001406720.1, NM_001406721.1 and 1 more transcripts); c.424+1365A>T (NM_001406722.1); short protein forms D306V.
Identifiers: ClinVar variation 3636416 (VCV003636416.2).